The following is an entry in ClinVar:

NM_001282116.2(RFX3):c.1969-6T>C

Gene: RFX3 (regulatory factor X3; minus strand). Cytogenetic location: 9p24.2.
Variant type: single nucleotide variant.
Coding change: c.1969-6T>C on transcript NM_001282116.2 (MANE Select); 6 bases into the intron before coding-DNA position 1969, T replaced by C.
Molecular consequence: intron variant.
Genome position (GRCh38, 1-based): chr9:3,228,895, A>G on the plus strand (T>C on the coding strand, the complement: RFX3 is on the minus strand). VCF-style: chr9-3228895-A-G. GRCh37 (hg19) VCF-style: chr9-3228895-A-G.
Other names: c.2032-6T>C (NM_001377999.1); c.1969-6T>C (NM_134428.3).
Identifiers: ClinVar variation 5009128 (VCV005009128.1).

ClinVar aggregate classification (germline): Uncertain significance (1 of 4 stars; one submission).

Submission:

GeneDx
Classification: Uncertain significance. Last evaluated: 2026-03-18. Review status: criteria provided, single submitter. Criteria: GeneDx Variant Classification Process June 2021. Collection method: clinical testing. Allele origin: germline.
Comment: Has not been previously published as pathogenic or benign to our knowledge; In silico analysis is inconclusive as to whether the variant alters gene splicing. In the absence of RNA/functional studies, the actual effect of this sequence change is unknown..